The following is an entry in ClinVar:

ClinVar aggregate classification (germline): Uncertain significance. Review status: criteria provided, multiple submitters, no conflicts (2 of 4 stars). 2 submissions from 2 submitters: Uncertain significance (2). Last evaluated 2023-11-27.

Conditions:
Cardiovascular phenotype. Identifiers: MedGen CN230736.
Arrhythmogenic right ventricular dysplasia 8 (ARVD8). Also called: ARRHYTHMOGENIC RIGHT VENTRICULAR DYSPLASIA, FAMILIAL, 8; ARRHYTHMOGENIC RIGHT VENTRICULAR CARDIOMYOPATHY 8; Arrhythmogenic Right Ventricular Dysplasia/Cardiomyopathy 8. Identifiers: MedGen C1843896, MONDO:0011831, OMIM 607450.
Arrhythmogenic cardiomyopathy with wooly hair and keratoderma. Also called: Dilated cardiomyopathy with woolly hair and keratoderma; PALMOPLANTAR KERATODERMA WITH LEFT VENTRICULAR CARDIOMYOPATHY AND WOOLLY HAIR; Carvajal syndrome; Arrhythmogenic cardiomyopathy with woolly hair and keratoderma. Identifiers: Orphanet 65282, MedGen C1854063, MONDO:0011581, OMIM 605676.

Submissions (2):

Ambry Genetics
Classification: Uncertain significance for Cardiovascular phenotype. Last evaluated: 2023-11-27. Review status: criteria provided, single submitter. Criteria: Ambry Variant Classification Scheme 2023. Collection method: clinical testing. Allele origin: germline.
Comment: The p.R2752P variant (also known as c.8255G>C), located in coding exon 24 of the DSP gene, results from a G to C substitution at nucleotide position 8255. The arginine at codon 2752 is replaced by proline, an amino acid with dissimilar properties. This amino acid position is highly conserved in available vertebrate species. In addition, this alteration is predicted to be deleterious by in silico analysis. Since supporting evidence is limited at this time, the clinical significance of this alteration remains unclear.

Labcorp Genetics (formerly Invitae), Labcorp
Classification: Uncertain significance for Arrhythmogenic cardiomyopathy with wooly hair and keratoderma; Arrhythmogenic right ventricular dysplasia 8. Last evaluated: 2019-07-31. Review status: criteria provided, single submitter. Criteria: Invitae Variant Classification Sherloc (09022015). Collection method: clinical testing. Allele origin: germline.
Comment: This sequence change replaces arginine with proline at codon 2752 of the DSP protein (p.Arg2752Pro). The arginine residue is highly conserved and there is a moderate physicochemical difference between arginine and proline. This variant is not present in population databases (ExAC no frequency). This variant has not been reported in the literature in individuals with DSP-related conditions. Algorithms developed to predict the effect of missense changes on protein structure and function are either unavailable or do not agree on the potential impact of this missense change (SIFT: "Deleterious"; PolyPhen-2: "Probably Damaging"; Align-GVGD: "Class C15"). In summary, the available evidence is currently insufficient to determine the role of this variant in disease. Therefore, it has been classified as a Variant of Uncertain Significance.

NM_004415.4(DSP):c.8255G>C (p.Arg2752Pro)

Gene: DSP (desmoplakin; plus strand). Cytogenetic location: 6p24.3.
Variant type: single nucleotide variant.
Coding change: c.8255G>C on transcript NM_004415.4 (MANE Select); coding-DNA position 8255, G replaced by C.
Protein change: p.Arg2752Pro; replaces arginine 2752 with proline.
Molecular consequence: missense variant.
Genome position (GRCh38, 1-based): chr6:7,585,517, G>C. VCF-style: chr6-7585517-G-C. GRCh37 (hg19) VCF-style: chr6-7585750-G-C.
Other names: c.6458G>C, p.Arg2153Pro (NM_001008844.3); c.6926G>C, p.Arg2309Pro (NM_001319034.2); short protein forms R2752P, R2309P, R2153P.
Identifiers: ClinVar variation 958717 (VCV000958717.11), dbSNP rs769706539, ClinGen allele CA362694771.